The following is an entry in ClinVar:

NM_001205293.3(CACNA1E):c.3107G>A (p.Gly1036Glu)

Gene: CACNA1E (calcium voltage-gated channel subunit alpha1 E; plus strand). Cytogenetic location: 1q25.3.
Variant type: single nucleotide variant.
Coding change: c.3107G>A on transcript NM_001205293.3 (MANE Select); coding-DNA position 3107, G replaced by A.
Protein change: p.Gly1036Glu; replaces glycine 1036 with glutamic acid.
Molecular consequence: missense variant.
Genome position (GRCh38, 1-based): chr1:181,733,595, G>A. VCF-style: chr1-181733595-G-A. GRCh37 (hg19) VCF-style: chr1-181702731-G-A.
Other names: c.3107G>A, p.Gly1036Glu (NM_000721.4); c.3050G>A, p.Gly1017Glu (NM_001205294.2); short protein forms G1017E, G1036E.
Identifiers: ClinVar variation 2639611 (VCV002639611.24), dbSNP rs2528712906, ClinGen allele CA343620992.

ClinVar aggregate classification (germline): Uncertain significance (1 of 4 stars; one submission).

Submission:

CeGaT Center for Human Genetics Tuebingen
Classification: Uncertain significance. Last evaluated: 2023-02-01. Review status: criteria provided, single submitter. Criteria: CeGaT Center For Human Genetics Tuebingen Variant Classification Criteria Version 2. Collection method: clinical testing. Allele origin: germline. Affected: yes. Observed: 1 variant allele.
Comment: CACNA1E: PM2